The following is an entry in ClinVar:

NM_134261.3(RORA):c.979A>C (p.Ile327Leu)

Genes: RORA (RAR related orphan receptor A; minus strand), RORA-AS1 (RORA antisense RNA 1; plus strand). Cytogenetic location: 15q22.2.
Variant type: single nucleotide variant.
Coding change: c.979A>C on transcript NM_134261.3 (MANE Select); coding-DNA position 979, A replaced by C.
Protein change: p.Ile327Leu; replaces isoleucine 327 with leucine.
Molecular consequence: missense variant.
Genome position (GRCh38, 1-based): chr15:60,503,631, T>G on the plus strand (A>C on the coding strand, the complement: RORA is on the minus strand). VCF-style: chr15-60503631-T-G. GRCh37 (hg19) VCF-style: chr15-60795830-T-G.
Other names: c.1054A>C, p.Ile352Leu (NM_002943.4); c.1078A>C, p.Ile360Leu (NM_134260.3); c.814A>C, p.Ile272Leu (NM_134262.3); short protein forms I272L, I327L, I352L, I360L.
Identifiers: ClinVar variation 4281026 (VCV004281026.7).

ClinVar aggregate classification (germline): Uncertain significance (1 of 4 stars; one submission).

Submission:

CeGaT Center for Human Genetics Tuebingen
Classification: Uncertain significance. Last evaluated: 2025-09-01. Review status: criteria provided, single submitter. Criteria: CeGaT Center For Human Genetics Tuebingen Variant Classification Criteria Version 2. Collection method: clinical testing. Allele origin: germline. Affected: yes. Observed: 2 variant alleles.
Comment: RORA: PM2, PP3